The following is an entry in ClinVar:

ClinVar aggregate classification (germline): Uncertain significance (1 of 4 stars; one submission).

Conditions:
Neurofibromatosis, type 1 (NF1). Also called: Peripheral type neurofibromatosis; NEUROFIBROMATOSIS, TYPE I, SOMATIC; Neurofibromatosis, type I; VON RECKLINGHAUSEN DISEASE. Identifiers: Orphanet 636, MedGen C0027831, MONDO:0018975, OMIM 162200. Disease mechanism: loss of function.

Submission:

Labcorp Genetics (formerly Invitae), Labcorp
Classification: Uncertain significance for Neurofibromatosis, type 1. Last evaluated: 2025-12-24. Review status: criteria provided, single submitter. Criteria: Invitae Variant Classification Sherloc (09022015). Collection method: clinical testing. Allele origin: germline.
Comment: This sequence change replaces methionine, which is neutral and non-polar, with threonine, which is neutral and polar, at codon 1050 of the NF1 protein (p.Met1050Thr). This variant is not present in population databases (gnomAD no frequency). This variant has not been reported in the literature in individuals affected with NF1-related conditions. ClinVar contains an entry for this variant (Variation ID: 2982001). Invitae Evidence Modeling of protein sequence and biophysical properties (such as structural, functional, and spatial information, amino acid conservation, physicochemical variation, residue mobility, and thermodynamic stability) indicates that this missense variant is expected to disrupt NF1 protein function with a positive predictive value of 95%. In summary, the available evidence is currently insufficient to determine the role of this variant in disease. Therefore, it has been classified as a Variant of Uncertain Significance.

NM_001042492.3(NF1):c.3149T>C (p.Met1050Thr)

Gene: NF1 (neurofibromin 1; plus strand). Cytogenetic location: 17q11.2.
Variant type: single nucleotide variant.
Coding change: c.3149T>C on transcript NM_001042492.3 (MANE Select); coding-DNA position 3149, T replaced by C.
Protein change: p.Met1050Thr; replaces methionine 1050 with threonine.
Molecular consequence: missense variant.
Genome position (GRCh38, 1-based): chr17:31,230,877, T>C. VCF-style: chr17-31230877-T-C. GRCh37 (hg19) VCF-style: chr17-29557895-T-C.
Other names: c.3149T>C, p.Met1050Thr (NM_000267.4); short protein forms M1050T.
Identifiers: ClinVar variation 2982001 (VCV002982001.3), dbSNP rs1597717585, ClinGen allele CA398988022.